The following is an entry in ClinVar:

NM_004817.4(TJP2):c.382C>A (p.Gln128Lys)

Gene: TJP2 (tight junction protein 2; plus strand). Cytogenetic location: 9q21.11.
Variant type: single nucleotide variant.
Coding change: c.382C>A on transcript NM_004817.4 (MANE Select); coding-DNA position 382, C replaced by A.
Protein change: p.Gln128Lys; replaces glutamine 128 with lysine.
Molecular consequence: missense variant.
Genome position (GRCh38, 1-based): chr9:69,220,926, C>A. VCF-style: chr9-69220926-C-A. GRCh37 (hg19) VCF-style: chr9-71835842-C-A.
Other names: p.Gln128Lys; c.394C>A, p.Gln132Lys (NM_001170415.1, NM_001369874.1, NM_001369875.1); c.475C>A, p.Gln159Lys (NM_001170416.2); c.313C>A, p.Gln105Lys (NM_001369870.1, NM_001369871.1, NM_001170414.2); c.382C>A, p.Gln128Lys (NM_001369872.1, NM_001369873.1, NM_201629.3); short protein forms Q128K, Q105K, Q159K, Q132K.
Identifiers: ClinVar variation 44100 (VCV000044100.19), dbSNP rs41305539, ClinGen allele CA133567.
Genomic context (GRCh38, chr9:69,220,926, plus strand): 5'-CTGAGTTTGTTTTGACAACAGGTGGTCAAGAGGCCCCGGAAGGTCCAGGTGGCCGCACTT[C>A]AGGCCAGCCCTCCCCTGGATCAGGATGACCGGGCTTTTGAGGTGATGGACGAGTTTGATG-3'
Protein context (NP_004808.2, residues 118-138): RPRKVQVAAL[Gln128Lys]ASPPLDQDDR

ClinVar aggregate classification (germline): Benign. Review status: criteria provided, multiple submitters, no conflicts (2 of 4 stars). 7 submissions from 7 submitters: Benign (7). Last evaluated 2026-02-01.

Allele frequency attached by ClinVar (database versions not stated): gnomAD exomes 0.05184; gnomAD 0.10523 and 0.10827; TOPMed 0.11489; ESP Exome Variant Server 0.11494; 1000 Genomes Project 30x 0.13132; ExAC 0.05983; 1000 Genomes Project 0.12760.
gnomAD v4.1: 60,591 of 1,612,422 alleles (3.8%); highest among the groups gnomAD compares: African/African-American, 30%; 4,544 homozygotes.

Submissions (7):

Labcorp Genetics (formerly Invitae), Labcorp
Classification: Benign. Last evaluated: 2026-02-01. Review status: criteria provided, single submitter. Criteria: Invitae Variant Classification Sherloc (09022015). Collection method: clinical testing. Allele origin: germline.

Mayo Clinic Laboratories, Mayo Clinic
Classification: Benign. Last evaluated: 2022-04-08. Review status: criteria provided, single submitter. Criteria: ACMG Guidelines, 2015. Collection method: clinical testing. Allele origin: germline. Observed: 94 variant alleles.

Eurofins Ntd Llc (ga)
Classification: Benign. Last evaluated: 2017-11-15. Review status: criteria provided, single submitter. Criteria: EGL Classification Definitions 2015. Collection method: clinical testing. Allele origin: germline. Observed: 9 variant alleles, 6 heterozygotes, 3 homozygotes.

GeneDx
Classification: Benign. Last evaluated: 2017-08-03. Review status: criteria provided, single submitter. Criteria: GeneDx Variant Classification (06012015). Collection method: clinical testing. Allele origin: germline. Affected: yes.
Comment: This variant is considered likely benign or benign based on one or more of the following criteria: it is a conservative change, it occurs at a poorly conserved position in the protein, it is predicted to be benign by multiple in silico algorithms, and/or has population frequency not consistent with disease.

Laboratory for Molecular Medicine, Mass General Brigham Personalized Medicine
Classification: Benign. Last evaluated: 2012-04-30. Review status: criteria provided, single submitter. Criteria: LMM Criteria. Collection method: clinical testing. Allele origin: germline. Observed: 60 variant alleles.
Comment: Gln105Lys in Exon 06 of TJP2: This variant is not expected to have clinical sign ificance because it has been identified in 30.0% (1119/3736) of African American chromosomes from a broad population by the NHLBI Exome Sequencing Project (dbSNP rs41305539).

Breakthrough Genomics
Classification: Benign. Review status: criteria provided, single submitter. Criteria: ACMG Guidelines, 2015. Collection method: not provided. Allele origin: germline. Inheritance: Autosomal recessive inheritance. Affected: yes.

PreventionGenetics, part of Exact Sciences
Classification: Benign. Review status: criteria provided, single submitter. Criteria: ACMG Guidelines, 2015. Collection method: clinical testing. Allele origin: germline.